The following is an entry in ClinVar:

NM_001252024.2(TRPM1):c.3362T>A (p.Met1121Lys)

Genes: TRPM1 (transient receptor potential cation channel subfamily M member 1; minus strand), TRPM1-AS1 (TRPM1 antisense RNA 1; plus strand), LOC126862088 (BRD4-independent group 4 enhancer GRCh37_chr15:31318084-31319283; plus strand). Cytogenetic location: 15q13.3.
Variant type: single nucleotide variant.
Coding change: c.3362T>A on transcript NM_001252024.2 (MANE Select); coding-DNA position 3362, T replaced by A.
Protein change: p.Met1121Lys; replaces methionine 1121 with lysine.
Molecular consequence: missense variant.
Genome position (GRCh38, 1-based): chr15:31,027,049, A>T on the plus strand (T>A on the coding strand, the complement: TRPM1 is on the minus strand). VCF-style: chr15-31027049-A-T. GRCh37 (hg19) VCF-style: chr15-31319252-A-T.
Other names: c.3413T>A, p.Met1138Lys (NM_001252020.2); c.3296T>A, p.Met1099Lys (NM_002420.6); short protein forms M1099K, M1121K, M1138K.
Identifiers: ClinVar variation 1057171 (VCV001057171.11), dbSNP rs1214779868, ClinGen allele CA391542199.

ClinVar aggregate classification (germline): Uncertain significance (1 of 4 stars; one submission).

Allele frequency attached by ClinVar (database versions not stated): gnomAD exomes below 0.00001.

Submission:

Labcorp Genetics (formerly Invitae), Labcorp
Classification: Uncertain significance. Last evaluated: 2021-12-21. Review status: criteria provided, single submitter. Criteria: Invitae Variant Classification Sherloc (09022015). Collection method: clinical testing. Allele origin: germline.
Comment: ClinVar contains an entry for this variant (Variation ID: 1057171). In summary, the available evidence is currently insufficient to determine the role of this variant in disease. Therefore, it has been classified as a Variant of Uncertain Significance. Algorithms developed to predict the effect of missense changes on protein structure and function are either unavailable or do not agree on the potential impact of this missense change (SIFT: "Deleterious"; PolyPhen-2: "Benign"; Align-GVGD: "Class C65"). This variant has not been reported in the literature in individuals affected with TRPM1-related conditions. This variant is present in population databases (no rsID available, gnomAD 0.0009%). This sequence change replaces methionine, which is neutral and non-polar, with lysine, which is basic and polar, at codon 1099 of the TRPM1 protein (p.Met1099Lys).